The following is an entry in ClinVar:

ClinVar aggregate classification (germline): Uncertain significance (1 of 4 stars; one submission).

Allele frequency attached by ClinVar (database versions not stated): gnomAD exomes below 0.00001 and 0.00002; ExAC 0.00002.
gnomAD v4.1: 7 of 1,614,088 alleles (0.00043%); highest among the groups gnomAD compares: Non-Finnish European, 0.00051%; no homozygotes.

Submission:

Laboratory for Molecular Medicine, Mass General Brigham Personalized Medicine
Classification: Uncertain significance. Last evaluated: 2015-06-08. Review status: criteria provided, single submitter. Criteria: LMM Criteria. Collection method: clinical testing. Allele origin: germline. Observed: 1 variant allele.
Comment: The p.Ala1452Thr variant in MYO15A has not been previously reported in individua ls with hearing loss, but has been identified in 2/66130 European chromosomes by the Exome Aggregation Consortium (ExAC). Althou gh this variant has been seen in the general population, its frequency is not hi gh enough to rule out a pathogenic role. Computational prediction tools and cons ervation analysis do not provide strong support for or against an impact to the protein. In summary, the clinical significance of the p.Ala1452Thr variant is un certain.

NM_016239.4(MYO15A):c.4354G>A (p.Ala1452Thr)

Gene: MYO15A (myosin XVA; plus strand). Cytogenetic location: 17p11.2.
Variant type: single nucleotide variant.
Coding change: c.4354G>A on transcript NM_016239.4 (MANE Select); coding-DNA position 4354, G replaced by A.
Protein change: p.Ala1452Thr; replaces alanine 1452 with threonine.
Molecular consequence: missense variant.
Genome position (GRCh38, 1-based): chr17:18,133,258, G>A. VCF-style: chr17-18133258-G-A. GRCh37 (hg19) VCF-style: chr17-18036572-G-A.
Other names: short protein forms A1452T.
Identifiers: ClinVar variation 228952 (VCV000228952.4), dbSNP rs752313077, ClinGen allele CA8423862.